The following is an entry in ClinVar:

NM_022455.5(NSD1):c.1768_1769del (p.Leu590fs)

Gene: NSD1 (nuclear receptor binding SET domain protein 1; plus strand). Cytogenetic location: 5q35.3.
Variant type: Deletion.
Coding change: c.1768_1769del on transcript NM_022455.5 (MANE Select); coding-DNA positions 1768 to 1769, 2 bases deleted (TT; older notation c.1768_1769delTT).
Protein change: p.Leu590fs; shifts the reading frame from leucine 590.
Molecular consequence: frameshift variant.
Genome position (GRCh38, 1-based): chr5:177,210,167-177,210,168, TT deleted; deleting any 2 consecutive bases within chr5:177,210,166-177,210,168 gives the same sequence; the c. name uses the placement nearest the transcript's 3' end. VCF-style (leftmost placement, unchanged base first): chr5-177210165-CTT-C. GRCh37 (hg19) VCF-style: chr5-176637166-CTT-C.
Other names: c.895_896delTT, p.Leu299Ilefs (NM_001365684.2, NM_001409306.1, NM_001409307.1 and 3 more transcripts); c.1768_1769delTT, p.Leu590Ilefs (NM_001409301.1, NM_001409302.1, NM_001409303.1 and 1 more transcripts); c.1348_1349delTT, p.Leu450Ilefs (NM_001409304.1); c.1015_1016delTT, p.Leu339Ilefs (NM_001409305.1); short protein forms L321fs, L590fs.
Identifiers: ClinVar variation 1338666 (VCV001338666.6), dbSNP rs2149843640, ClinGen allele CA2573052475.
Genomic context (GRCh38, chr5:177,210,165, plus strand): 5'-TGTTTTCTTCCTGTGGAAAAAACACTGCAAAGAAAGAATTTGAGACTTCAAATGGTGACT[CTT>C]TATTGGGCTTGCCTGAGGGTGCTTTGATCTCAAAGTGTTCTCGAGAGAAGAATAAACCCC-3'

ClinVar aggregate classification (germline): Likely pathogenic. Review status: criteria provided, multiple submitters, no conflicts (2 of 4 stars). 2 submissions from 2 submitters: Likely pathogenic (2). Last evaluated 2021-12-21.

Conditions:
Sotos syndrome (SOTOS). Also called: SOTOS SYNDROME 1; CEREBRAL GIGANTISM; Sotos' syndrome; CHROMOSOME 5q35 DELETION SYNDROME; Distinctive facial appearance, overgrowth in childhood, and learning disabilities or delayed development. Identifiers: Orphanet 821, MedGen C0175695, MONDO:0019349, OMIM 117550.

Submissions (2):

Fulgent Genetics
Classification: Likely pathogenic for Sotos syndrome. Last evaluated: 2021-12-21. Review status: criteria provided, single submitter. Criteria: ACMG Guidelines, 2015. Collection method: clinical testing. Allele origin: unknown.

Genetic Services Laboratory, University of Chicago
Classification: Likely pathogenic. Last evaluated: 2021-11-29. Review status: criteria provided, single submitter. Criteria: ACMG Guidelines, 2015. Collection method: clinical testing. Allele origin: germline. Affected: yes.
Comment: DNA sequence analysis of the NSD1 gene demonstrated a two base pair deletion in exon 5, c.1768_1769del. This sequence change results in an amino acid frameshift and creates a premature stop codon 4 amino acids downstream of the change, p.Leu590Ilefs*5. This sequence change is predicted to result in an abnormal transcript, which may be degraded, or may lead to the production of a truncated NSD1 protein with potentially abnormal function. This deletion has been previously described as a de novo variant in an individual who was part of a study of overgrowth and intellectual disability (PMID: 28475857). Several truncating variants downstream to this position have been reported as pathogenic for Sotos syndrome. The c.1768_1769del sequence change has not been described in the population databases such as ExAC and gnomAD. This sequence change is the likely cause of this individual's phenotype, however functional studies have not been performed to prove this conclusively.